The following is an entry in ClinVar:

ClinVar aggregate classification (germline): Pathogenic (1 of 4 stars; one submission).

Conditions:
SIN3A-related intellectual disability syndrome due to a point mutation. Also called: 15q24 Microdeletion Syndrome; WITTEVEEN-KOLK SYNDROME. Identifiers: Orphanet 500166, Orphanet 94065, MedGen C4310804, MONDO:0044700, OMIM 613406.

Submissions (2):

3billion
Classification: Pathogenic for SIN3A-related intellectual disability syndrome due to a point mutation. Last evaluated: 2025-11-05. Review status: criteria provided, single submitter. Criteria: ACMG Guidelines, 2015. Collection method: clinical testing. Allele origin: germline. Affected: yes.
Comment: The variant is not observed in the gnomAD v4.1.0 dataset. Predicted Consequence/Location: Stop-gained (nonsense): predicted to result in a loss or disruption of normal protein function through nonsense-mediated decay (NMD) or protein truncation. Multiple pathogenic variants are reported downstream of the variant. The variant has been reported to be associated with SIN3A-related disorder (PMID: 36399132). Therefore, this variant is classified as Pathogenic according to the recommendation of ACMG/AMP guideline.

Dr. Peter K. Rogan Lab, Western University
No classification provided (evidence only). Condition: Uterine corpus endometrial carcinoma. Review status: no classification provided. Collection method: in vitro. Allele origin: not applicable. Functional consequence: retained intron. Not counted in ClinVar's aggregate classification.

Literature cited by the submitters: PubMed 36399132 (cited by 3billion).

NM_001145358.2(SIN3A):c.2119C>T (p.Arg707Ter)

Gene: SIN3A (SIN3 transcription regulator family member A; minus strand). Cytogenetic location: 15q24.2.
Variant type: single nucleotide variant.
Coding change: c.2119C>T on transcript NM_001145358.2 (MANE Select); coding-DNA position 2119, C replaced by T.
Protein change: p.Arg707Ter; replaces arginine 707 with a stop codon.
Molecular consequence: nonsense.
Genome position (GRCh38, 1-based): chr15:75,394,838, G>A on the plus strand (C>T on the coding strand, the complement: SIN3A is on the minus strand). VCF-style: chr15-75394838-G-A. GRCh37 (hg19) VCF-style: chr15-75687179-G-A.
Other names: NC_000015.9:g.75687179G>A; c.2119C>T, p.Arg707Ter (NM_001145357.2, NM_001437462.1, NM_001437463.1 and 1 more transcripts); short protein forms R707*.
Identifiers: ClinVar variation 4405854 (VCV004405854.2).